The following is an entry in ClinVar:

NM_001814.6(CTSC):c.485+1G>A

Gene: CTSC (cathepsin C; minus strand). Cytogenetic location: 11q14.2.
Variant type: single nucleotide variant.
Coding change: c.485+1G>A on transcript NM_001814.6 (MANE Select); the canonical splice donor site of the intron after coding-DNA position 485, G replaced by A.
Molecular consequence: splice donor variant.
Genome position (GRCh38, 1-based): chr11:88,312,387, C>T on the plus strand (G>A on the coding strand, the complement: CTSC is on the minus strand). VCF-style: chr11-88312387-C-T. GRCh37 (hg19) VCF-style: chr11-88045555-C-T.
Identifiers: ClinVar variation 2941658 (VCV002941658.3), dbSNP rs2496561722, ClinGen allele CA382026255.

ClinVar aggregate classification (germline): Likely pathogenic (1 of 4 stars; one submission).

Conditions:
Periodontitis, aggressive. Identifiers: MedGen C0031106, MONDO:0980757.
Papillon-Lefèvre syndrome (PALS). Also called: KERATOSIS PALMOPLANTARIS WITH PERIODONTOPATHIA; Papillon-Lefevre Disease. Identifiers: Orphanet 678, MedGen C0030360, MONDO:0009490, OMIM 245000.
Haim-Munk syndrome (HMS). Also called: COCHIN JEWISH DISORDER; KERATOSIS PALMOPLANTARIS WITH PERIODONTOPATHIA AND ONYCHOGRYPOSIS. Identifiers: Orphanet 2342, MedGen C1855627, MONDO:0009491, OMIM 245010.

Allele frequency attached by ClinVar (database versions not stated): gnomAD exomes below 0.00001.
gnomAD v4.1: 1 of 1,613,922 alleles (0.000062%); highest among the groups gnomAD compares: Non-Finnish European, 0.000085%; no homozygotes.

Submission:

Labcorp Genetics (formerly Invitae), Labcorp
Classification: Likely pathogenic for Haim-Munk syndrome; Periodontitis, aggressive; Papillon-Lefèvre syndrome. Last evaluated: 2023-08-27. Review status: criteria provided, single submitter. Criteria: Invitae Variant Classification Sherloc (09022015). Collection method: clinical testing. Allele origin: germline.
Comment: In summary, the currently available evidence indicates that the variant is pathogenic, but additional data are needed to prove that conclusively. Therefore, this variant has been classified as Likely Pathogenic. Algorithms developed to predict the effect of sequence changes on RNA splicing suggest that this variant may disrupt the consensus splice site. This variant has not been reported in the literature in individuals affected with CTSC-related conditions. This variant is not present in population databases (gnomAD no frequency). This sequence change affects a donor splice site in intron 3 of the CTSC gene. It is expected to disrupt RNA splicing. Variants that disrupt the donor or acceptor splice site typically lead to a loss of protein function (PMID: 16199547), and loss-of-function variants in CTSC are known to be pathogenic (PMID: 10662808, 11106356, 11886537).

Literature cited by the submitters: PubMed 16199547; PubMed 10662808; PubMed 11106356; PubMed 11886537.